The following is an entry in ClinVar:

NM_198576.4(AGRN):c.1528G>A (p.Gly510Ser)

Gene: AGRN (agrin; plus strand). Cytogenetic location: 1p36.33.
Variant type: single nucleotide variant.
Coding change: c.1528G>A on transcript NM_198576.4 (MANE Select); coding-DNA position 1528, G replaced by A.
Protein change: p.Gly510Ser; replaces glycine 510 with serine.
Molecular consequence: missense variant.
Genome position (GRCh38, 1-based): chr1:1,043,382, G>A. VCF-style: chr1-1043382-G-A. GRCh37 (hg19) VCF-style: chr1-978762-G-A.
Other names: c.1528G>A (LRG_198t1); c.1528G>A, p.Gly510Ser (NM_001305275.2); c.1213G>A, p.Gly405Ser (NM_001364727.2); short protein forms G510S, G405S.
Identifiers: ClinVar variation 263163 (VCV000263163.38), dbSNP rs138288952, ClinGen allele CA508214.

ClinVar aggregate classification (germline): Benign/Likely benign. Review status: criteria provided, multiple submitters, no conflicts (2 of 4 stars). 7 submissions from 7 submitters: Benign (5); Likely benign (2). Last evaluated 2026-09-01.

Conditions:
Congenital myasthenic syndrome 8. Also called: Myasthenic syndrome, congenital, 8, with pre- and postsynaptic defects; MYASTHENIC SYNDROME, CONGENITAL, DUE TO AGRIN DEFICIENCY. Identifiers: Orphanet 590, MedGen C3808739, MONDO:0014052, OMIM 615120.

Allele frequency attached by ClinVar (database versions not stated): 1000 Genomes Project 0.00300; 1000 Genomes Project 30x 0.00375; TOPMed 0.00742; gnomAD exomes 0.00767 and 0.01065; gnomAD 0.00817 and 0.00834; ExAC 0.00834; ESP Exome Variant Server 0.00916.
gnomAD v4.1: 16,589 of 1,609,070 alleles (1%); highest among the groups gnomAD compares: Non-Finnish European, 1.2%; 105 homozygotes.

Submissions (7):

CeGaT Center for Human Genetics Tuebingen
Classification: Benign. Last evaluated: 2026-09-01. Review status: criteria provided, single submitter. Criteria: CeGaT Center For Human Genetics Tuebingen Variant Classification Criteria Version 2. Collection method: clinical testing. Allele origin: germline. Affected: yes. Observed: 6 variant alleles.
Comment: AGRN: BP4, BS1, BS2

Labcorp Genetics (formerly Invitae), Labcorp
Classification: Benign for Congenital myasthenic syndrome 8. Last evaluated: 2026-02-02. Review status: criteria provided, single submitter. Criteria: Invitae Variant Classification Sherloc (09022015). Collection method: clinical testing. Allele origin: germline.

Mayo Clinic Laboratories, Mayo Clinic
Classification: Benign. Last evaluated: 2019-11-20. Review status: criteria provided, single submitter. Criteria: ACMG Guidelines, 2015. Collection method: clinical testing. Allele origin: germline. Observed: 10 variant alleles.

GeneDx
Classification: Benign. Last evaluated: 2016-10-24. Review status: criteria provided, single submitter. Criteria: GeneDx Variant Classification (06012015). Collection method: clinical testing. Allele origin: germline. Affected: yes.
Comment: This variant is considered likely benign or benign based on one or more of the following criteria: it is a conservative change, it occurs at a poorly conserved position in the protein, it is predicted to be benign by multiple in silico algorithms, and/or has population frequency not consistent with disease.

Athena Diagnostics
Classification: Likely benign. Last evaluated: 2016-09-15. Review status: criteria provided, single submitter. Criteria: Athena Diagnostics Criteria. Collection method: clinical testing. Allele origin: germline.

Breakthrough Genomics
Classification: Likely benign. Review status: criteria provided, single submitter. Criteria: ACMG Guidelines, 2015. Collection method: not provided. Allele origin: germline. Inheritance: Autosomal recessive inheritance. Affected: yes.

PreventionGenetics, part of Exact Sciences
Classification: Benign. Review status: criteria provided, single submitter. Criteria: ACMG Guidelines, 2015. Collection method: clinical testing. Allele origin: germline.